The following is an entry in ClinVar:

NM_198578.4(LRRK2):c.7510G>C (p.Val2504Leu)

Gene: LRRK2 (leucine rich repeat kinase 2; plus strand). Cytogenetic location: 12q12.
Variant type: single nucleotide variant.
Coding change: c.7510G>C on transcript NM_198578.4 (MANE Select); coding-DNA position 7510, G replaced by C.
Protein change: p.Val2504Leu; replaces valine 2504 with leucine.
Molecular consequence: missense variant.
Genome position (GRCh38, 1-based): chr12:40,367,691, G>C. VCF-style: chr12-40367691-G-C. GRCh37 (hg19) VCF-style: chr12-40761493-G-C.
Other names: short protein forms V2504L.
Identifiers: ClinVar variation 1314363 (VCV001314363.4), dbSNP rs1946922213, ClinGen allele CA384416120.

ClinVar aggregate classification (germline): Uncertain significance. Review status: criteria provided, multiple submitters, no conflicts (2 of 4 stars). 2 submissions from 2 submitters: Uncertain significance (2). Last evaluated 2021-12-29.

Conditions:
Inborn genetic diseases. Identifiers: MedGen C0950123, MeSH D030342.

Allele frequency attached by ClinVar (database versions not stated): TOPMed below 0.00001.
gnomAD v4.1: 1 of 1,603,638 alleles (0.000062%); highest among the groups gnomAD compares: Non-Finnish European, 0.000085%; no homozygotes.

Submissions (2):

Ambry Genetics
Classification: Uncertain significance for Inborn genetic diseases. Last evaluated: 2021-12-29. Review status: criteria provided, single submitter. Criteria: Ambry Variant Classification Scheme 2023. Collection method: clinical testing. Allele origin: germline.
Comment: The p.V2504L variant (also known as c.7510G>C), located in coding exon 51 of the LRRK2 gene, results from a G to C substitution at nucleotide position 7510. The valine at codon 2504 is replaced by leucine, an amino acid with highly similar properties. This amino acid position is conserved. In addition, the in silico prediction for this alteration is inconclusive. Since supporting evidence is limited at this time, the clinical significance of this alteration remains unclear.

GeneDx
Classification: Uncertain significance. Last evaluated: 2021-04-06. Review status: criteria provided, single submitter. Criteria: GeneDx Variant Classification Process June 2021. Collection method: clinical testing. Allele origin: germline. Affected: yes.
Comment: Not observed in large population cohorts (Lek et al., 2016); In silico analysis supports that this missense variant does not alter protein structure/function; Has not been previously published as pathogenic or benign to our knowledge